The following is an entry in ClinVar:

ClinVar aggregate classification (germline): Uncertain significance (1 of 4 stars; one submission).

Conditions:
Epilepsy. Also called: Seizure disorder. Identifiers: MedGen C0014544, MeSH D004827, MONDO:0005027.

Allele frequency attached by ClinVar (database versions not stated): gnomAD exomes 0.00001; TOPMed 0.00001; ExAC 0.00002; gnomAD 0.00003; ESP Exome Variant Server 0.00008.

Submission:

Labcorp Genetics (formerly Invitae), Labcorp
Classification: Uncertain significance for Epilepsy. Last evaluated: 2022-06-15. Review status: criteria provided, single submitter. Criteria: Invitae Variant Classification Sherloc (09022015). Collection method: clinical testing. Allele origin: germline.
Comment: Algorithms developed to predict the effect of sequence changes on RNA splicing suggest that this variant may create or strengthen a splice site. This sequence change affects codon 460 of the PIGQ mRNA. It is a 'silent' change, meaning that it does not change the encoded amino acid sequence of the PIGQ protein. This variant is present in population databases (rs374491779, gnomAD 0.003%). This variant has not been reported in the literature in individuals affected with PIGQ-related conditions. In summary, the available evidence is currently insufficient to determine the role of this variant in disease. Therefore, it has been classified as a Variant of Uncertain Significance.

NM_004204.5(PIGQ):c.1380G>T (p.Leu460=)

Gene: PIGQ (phosphatidylinositol glycan anchor biosynthesis class Q; plus strand). Cytogenetic location: 16p13.3.
Variant type: single nucleotide variant.
Coding change: c.1380G>T on transcript NM_004204.5 (MANE Select); coding-DNA position 1380, G replaced by T.
Protein change: p.Leu460=; no amino-acid change (leucine 460 retained).
Molecular consequence: synonymous variant.
Genome position (GRCh38, 1-based): chr16:580,227, G>T. VCF-style: chr16-580227-G-T. GRCh37 (hg19) VCF-style: chr16-630227-G-T.
Other names: c.1380G>T, p.Leu460= (NM_148920.4).
Identifiers: ClinVar variation 2052313 (VCV002052313.4), dbSNP rs374491779, ClinGen allele CA7780257.